The following is an entry in ClinVar:

NM_002755.4(MAP2K1):c.927A>T (p.Ala309=)

Gene: MAP2K1 (mitogen-activated protein kinase kinase 1; plus strand). Cytogenetic location: 15q22.31.
Variant type: single nucleotide variant.
Coding change: c.927A>T on transcript NM_002755.4 (MANE Select); coding-DNA position 927, A replaced by T.
Protein change: p.Ala309=; no amino-acid change (alanine 309 retained).
Molecular consequence: synonymous variant.
Genome position (GRCh38, 1-based): chr15:66,487,259, A>T. VCF-style: chr15-66487259-A-T. GRCh37 (hg19) VCF-style: chr15-66779597-A-T.
Other names: p.A309A; NM_002755.3(MAP2K1):c.927A>T.
Identifiers: ClinVar variation 40758 (VCV000040758.42), dbSNP rs146869577, ClinGen allele CA180933.

ClinVar aggregate classification (germline): Benign. Review status: reviewed by expert panel (3 of 4 stars). 12 submissions from 12 submitters: Benign (1). 11 of the submissions do not count toward it. Last evaluated 2017-05-09.

Conditions:
Noonan syndrome and Noonan-related syndrome. Identifiers: Orphanet 98733, MedGen C5681679, MONDO:0020297.
Cardiovascular phenotype. Identifiers: MedGen CN230736.
RASopathy. Also called: rasopathies; Noonan spectrum disorder. Identifiers: Orphanet 536391, MedGen C5555857, MONDO:0021060.

Allele frequency attached by ClinVar (database versions not stated): 1000 Genomes Project 30x 0.00453; gnomAD exomes 0.00097 and 0.00031; gnomAD 0.00332 and 0.00357; ESP Exome Variant Server 0.00469; ExAC 0.00132; 1000 Genomes Project 0.00499; TOPMed 0.00376.
gnomAD v4.1: 972 of 1,614,178 alleles (0.06%); highest among the groups gnomAD compares: African/African-American, 1.2%; 4 homozygotes.

Submissions (12):

ClinGen RASopathy Variant Curation Expert Panel
Classification: Benign for Noonan syndrome and Noonan-related syndrome. Last evaluated: 2017-05-09. Review status: reviewed by expert panel. Criteria: ClinGen RASopathy ACMG Specifications v1. Collection method: curation. Allele origin: germline. Inheritance: Autosomal dominant inheritance.
Comment: The filtering allele frequency of the c.927A>T (p.Ala309=) variant in the MAP2K1 gene is 1.307% (156/10406) of African chromosomes by the Exome Aggregation Consortium, which is a high enough frequency to be classified as benign based on thresholds defined by the ClinGen RASopathy Expert Panel (BA1; PMID:29493581)

CeGaT Center for Human Genetics Tuebingen
Classification: Likely benign. Last evaluated: 2026-08-01. Review status: criteria provided, single submitter. Criteria: CeGaT Center For Human Genetics Tuebingen Variant Classification Criteria Version 2. Collection method: clinical testing. Allele origin: germline. Affected: yes. Observed: 2 variant alleles. Not counted in ClinVar's aggregate classification.
Comment: MAP2K1: BP4, BP7, BS1

Labcorp Genetics (formerly Invitae), Labcorp
Classification: Benign for RASopathy. Last evaluated: 2026-02-03. Review status: criteria provided, single submitter. Criteria: Invitae Variant Classification Sherloc (09022015). Collection method: clinical testing. Allele origin: germline. Not counted in ClinVar's aggregate classification.

ARUP Laboratories, Molecular Genetics and Genomics, ARUP Laboratories
Classification: Benign. Last evaluated: 2025-04-14. Review status: criteria provided, single submitter. Criteria: ARUP Molecular Germline Variant Investigation Process 2024. Collection method: clinical testing. Allele origin: germline. Not counted in ClinVar's aggregate classification.

Blueprint Genetics
Classification: Likely benign. Last evaluated: 2024-10-21. Review status: criteria provided, single submitter. Criteria: ACMG Guidelines, 2015. Collection method: clinical testing. Allele origin: germline. Not counted in ClinVar's aggregate classification.

Mayo Clinic Laboratories, Mayo Clinic
Classification: Benign. Last evaluated: 2024-02-15. Review status: criteria provided, single submitter. Criteria: ACMG Guidelines, 2015. Collection method: clinical testing. Allele origin: germline. Observed: 6 variant alleles. Not counted in ClinVar's aggregate classification.
Comment: BA1, BP4, BP7

Ambry Genetics
Classification: Benign for Cardiovascular phenotype. Last evaluated: 2020-11-20. Review status: criteria provided, single submitter. Criteria: Ambry Variant Classification Scheme 2023. Collection method: clinical testing. Allele origin: germline. Not counted in ClinVar's aggregate classification.

Genome Diagnostics Laboratory, The Hospital for Sick Children
Classification: Benign for Noonan syndrome and Noonan-related syndrome. Last evaluated: 2019-08-01. Review status: criteria provided, single submitter. Criteria: ACMG Guidelines, 2015. Collection method: clinical testing. Allele origin: germline. Not counted in ClinVar's aggregate classification.

GeneDx
Classification: Benign. Last evaluated: 2015-03-03. Review status: criteria provided, single submitter. Criteria: GeneDx Variant Classification Process June 2021. Collection method: clinical testing. Allele origin: germline. Affected: yes. Not counted in ClinVar's aggregate classification.

Laboratory for Molecular Medicine, Mass General Brigham Personalized Medicine
Classification: Benign. Last evaluated: 2013-05-03. Review status: criteria provided, single submitter. Criteria: LMM Criteria. Collection method: clinical testing. Allele origin: germline. Observed: 4 variant alleles. Not counted in ClinVar's aggregate classification.
Comment: Ala309Ala in Exon 08 of MEK1: This variant is not expected to have clinical sign ificance because it does not alter an amino acid residue, is not located within the splice consensus sequence and has been identified in 1.0% (39/3738) of Afric an American chromosomes from a broad population by the NHLBI Exome Sequencing Pr oject (dbSNP rs146869577).

Breakthrough Genomics
Classification: Benign. Review status: criteria provided, single submitter. Criteria: ACMG Guidelines, 2015. Collection method: not provided. Allele origin: germline. Inheritance: Unknown mechanism. Affected: yes. Not counted in ClinVar's aggregate classification.

PreventionGenetics, part of Exact Sciences
Classification: Benign. Review status: criteria provided, single submitter. Criteria: ACMG Guidelines, 2015. Collection method: clinical testing. Allele origin: germline. Not counted in ClinVar's aggregate classification.

Literature cited by the submitters: PubMed 18470943 (cited by Mayo Clinic Laboratories, Mayo Clinic).